The following is an entry in ClinVar:

ClinVar aggregate classification (germline): Uncertain significance. Review status: criteria provided, multiple submitters, no conflicts (2 of 4 stars). 3 submissions from 3 submitters: Uncertain significance (2). 1 of the submissions does not count toward it. Last evaluated 2024-12-31.

Conditions:
Lynch-like syndrome.
Hereditary nonpolyposis colorectal neoplasms. Identifiers: MedGen C0009405, MeSH D003123.
Hereditary cancer-predisposing syndrome. Also called: Tumor predisposition; Hereditary Cancer Syndrome; Hereditary neoplastic syndrome; Neoplastic Syndromes, Hereditary. Identifiers: Orphanet 140162, MedGen C0027672, MeSH D009386, MONDO:0015356.

Submissions (3):

Ambry Genetics
Classification: Uncertain significance for Hereditary cancer-predisposing syndrome. Last evaluated: 2024-12-31. Review status: criteria provided, single submitter. Criteria: Ambry Variant Classification Scheme 2023. Collection method: clinical testing. Allele origin: germline.

Labcorp Genetics (formerly Invitae), Labcorp
Classification: Uncertain significance for Hereditary nonpolyposis colorectal neoplasms. Last evaluated: 2017-08-09. Review status: criteria provided, single submitter. Criteria: Invitae Variant Classification Sherloc (09022015). Collection method: clinical testing. Allele origin: germline.
Comment: In summary, the available evidence is currently insufficient to determine the role of this variant in disease. Therefore, it has been classified as a Variant of Uncertain Significance. Algorithms developed to predict the effect of missense changes on protein structure and function do not agree on the potential impact of this missense change (SIFT: "Tolerated"; PolyPhen-2: "Probably Damaging"; Align-GVGD: "Class C0"). This variant has not been reported in the literature in individuals with MSH6-related disease. ClinVar contains an entry for this variant (Variation ID: 410473). This variant is not present in population databases (ExAC no frequency). This sequence change replaces lysine with asparagine at codon 1013 of the MSH6 protein (p.Lys1013Asn). The lysine residue is weakly conserved and there is a moderate physicochemical difference between lysine and asparagine.

Constitutional Genetics Lab, Leon Berard Cancer Center
Classification: Uncertain significance for Lynch-like syndrome. Last evaluated: 2019-07-01. Review status: no assertion criteria provided. Collection method: clinical testing. Allele origin: somatic. Affected: yes. Observed: 2 variant alleles. Not counted in ClinVar's aggregate classification.

NM_000179.3(MSH6):c.3039G>T (p.Lys1013Asn)

Gene: MSH6 (mutS homolog 6; plus strand). Cytogenetic location: 2p16.3.
Variant type: single nucleotide variant.
Coding change: c.3039G>T on transcript NM_000179.3 (MANE Select); coding-DNA position 3039, G replaced by T.
Protein change: p.Lys1013Asn; replaces lysine 1013 with asparagine.
Molecular consequence: missense variant.
Genome position (GRCh38, 1-based): chr2:47,801,022, G>T. VCF-style: chr2-47801022-G-T. GRCh37 (hg19) VCF-style: chr2-48028161-G-T.
Other names: c.2649G>T, p.Lys883Asn (NM_001281492.2); c.2133G>T, p.Lys711Asn (NM_001281493.2, NM_001281494.2); short protein forms K1013N, K883N, K711N.
Identifiers: ClinVar variation 410473 (VCV000410473.16), dbSNP rs1060502920, ClinGen allele CA16611159.
Genomic context (GRCh38, chr2:47,801,022, plus strand): 5'-ATACGAGTTGAAATCTACCAAGAAGGGCTGTAAACGATACTGGACCAAAACTATTGAAAA[G>T]AAGTTGGCTAATCTCATAAATGCTGAAGAACGGAGGGATGTATCATTGAAGGACTGCATG-3'
Protein context (NP_000170.1, residues 1003-1023): CKRYWTKTIE[Lys1013Asn]KLANLINAEE